The following is an entry in ClinVar:

NM_020911.2(PLXNA4):c.3804C>A (p.Asp1268Glu)

Gene: PLXNA4 (plexin A4; minus strand). Cytogenetic location: 7q32.3.
Variant type: single nucleotide variant.
Coding change: c.3804C>A on transcript NM_020911.2 (MANE Select); coding-DNA position 3804, C replaced by A.
Protein change: p.Asp1268Glu; replaces aspartic acid 1268 with glutamic acid.
Molecular consequence: missense variant.
Genome position (GRCh38, 1-based): chr7:132,179,757, G>T on the plus strand (C>A on the coding strand, the complement: PLXNA4 is on the minus strand). VCF-style: chr7-132179757-G-T. GRCh37 (hg19) VCF-style: chr7-131864516-G-T.
Other names: c.3804C>A, p.Asp1268Glu (NM_001393897.1); short protein forms D1268E.
Identifiers: ClinVar variation 5001425 (VCV005001425.1).

ClinVar aggregate classification (germline): Uncertain significance (1 of 4 stars; one submission).

Conditions:
PLXNA4-related disorder. Also called: PLXNA4-related condition.

gnomAD v4.1: 1 of 1,614,160 alleles (0.000062%); highest among the groups gnomAD compares: Non-Finnish European, 0.000085%; no homozygotes.

Submission:

PreventionGenetics, part of Exact Sciences
Classification: Uncertain significance for PLXNA4-related condition. Last evaluated: 2025-03-20. Review status: criteria provided, single submitter. Criteria: ACMG Guidelines, 2015. Collection method: clinical testing. Allele origin: germline.
Comment: The PLXNA4 c.3804C>A variant is predicted to result in the amino acid substitution p.Asp1268Glu. To our knowledge, this variant has not been reported in the literature or in a large population database (gnomAD), indicating this variant is rare. At this time, the clinical significance of this variant is uncertain due to the absence of conclusive functional and genetic evidence.